The following is an entry in ClinVar:

NM_001105206.3(LAMA4):c.3375G>A (p.Thr1125=)

Gene: LAMA4 (laminin subunit alpha 4; minus strand). Cytogenetic location: 6q21.
Variant type: single nucleotide variant.
Coding change: c.3375G>A on transcript NM_001105206.3 (MANE Select); coding-DNA position 3375, G replaced by A.
Protein change: p.Thr1125=; no amino-acid change (threonine 1125 retained).
Molecular consequence: synonymous variant.
Genome position (GRCh38, 1-based): chr6:112,136,162, C>T on the plus strand (G>A on the coding strand, the complement: LAMA4 is on the minus strand). VCF-style: chr6-112136162-C-T. GRCh37 (hg19) VCF-style: chr6-112457364-C-T.
Other names: c.3354G>A, p.Thr1118= (NM_001105207.3, NM_002290.5).
Identifiers: ClinVar variation 227476 (VCV000227476.18), dbSNP rs143728627, ClinGen allele CA3965229.

ClinVar aggregate classification (germline): Benign/Likely benign. Review status: criteria provided, multiple submitters, no conflicts (2 of 4 stars). 5 submissions from 5 submitters: Benign (1); Likely benign (2). 2 of the submissions do not count toward it. Last evaluated 2025-04-30.

Conditions:
Dilated cardiomyopathy 1JJ (CMD1JJ). Identifiers: Orphanet 154, MedGen C3808935, MONDO:0014095, OMIM 615235.
Cardiovascular phenotype. Identifiers: MedGen CN230736.

Allele frequency attached by ClinVar (database versions not stated): gnomAD 0.00002 and 0.00007; TOPMed 0.00004; ESP Exome Variant Server 0.00008; gnomAD exomes 0.00010 and 0.00017; 1000 Genomes Project 30x 0.00016; 1000 Genomes Project 0.00020; ExAC 0.00020.
gnomAD v4.1: 160 of 1,612,974 alleles (0.0099%); highest among the groups gnomAD compares: South Asian, 0.15%; 1 homozygote.

Submissions (5):

Labcorp Genetics (formerly Invitae), Labcorp
Classification: Benign for Dilated cardiomyopathy 1JJ. Last evaluated: 2025-04-30. Review status: criteria provided, single submitter. Criteria: Invitae Variant Classification Sherloc (09022015). Collection method: clinical testing. Allele origin: germline.

Ambry Genetics
Classification: Likely benign for Cardiovascular phenotype. Last evaluated: 2021-11-02. Review status: criteria provided, single submitter. Criteria: Ambry Variant Classification Scheme 2023. Collection method: clinical testing. Allele origin: germline.

Laboratory for Molecular Medicine, Mass General Brigham Personalized Medicine
Classification: Likely benign. Last evaluated: 2015-04-01. Review status: criteria provided, single submitter. Criteria: LMM Criteria. Collection method: clinical testing. Allele origin: germline. Observed: 1 variant allele.
Comment: p.Thr1118Thr in exon 25 of LAMA4: This variant is not expected to have clinical significance because it does not alter an amino acid residue and is not located within the splice consensus sequence. It has been identified in 0.1% (22/16508) of South Asian chromosomes by the Exome Aggregation Consortium (ExAC; dbSNP rs143728627).

Clinical Genetics DNA and cytogenetics Diagnostics Lab, Erasmus MC, Erasmus Medical Center
Classification: Likely benign. Review status: no assertion criteria provided. Collection method: clinical testing. Allele origin: germline. Affected: yes. Study: VKGL Data-share Consensus. Not counted in ClinVar's aggregate classification.

Joint Genome Diagnostic Labs from Nijmegen and Maastricht, Radboudumc and MUMC+
Classification: Likely benign. Review status: no assertion criteria provided. Collection method: clinical testing. Allele origin: germline. Affected: yes. Study: VKGL Data-share Consensus. Not counted in ClinVar's aggregate classification.